The following is an entry in ClinVar:

NM_000497.4(CYP11B1):c.*193A>T

Gene: CYP11B1 (cytochrome P450 family 11 subfamily B member 1; minus strand). Cytogenetic location: 8q24.3.
Variant type: single nucleotide variant.
Coding change: c.*193A>T on transcript NM_000497.4 (MANE Select); 193 bases downstream of the stop codon, A replaced by T.
Molecular consequence: 3 prime UTR variant.
Genome position (GRCh38, 1-based): chr8:142,874,180, T>A on the plus strand (A>T on the coding strand, the complement: CYP11B1 is on the minus strand). VCF-style: chr8-142874180-T-A. GRCh37 (hg19) VCF-style: chr8-143955596-T-A.
Other names: c.*193A>T (NM_001026213.1).
Identifiers: ClinVar variation 362142 (VCV000362142.6), dbSNP rs61752798, ClinGen allele CA10627300.
Genomic context (GRCh38, chr8:142,874,180, plus strand): 5'-TGCTTGCTGGAGAAAGGGCCAGGTGGGGCTGGGGACAAGGTCAGCAAGATCTTCCCCAGC[T>A]GTGCCCTGGCATTGCTGCTTAGCCTGGCAAACCCTGGTCCTAGAGGCCCTCGGGAGTTCC-3'

ClinVar aggregate classification (germline): Benign/Likely benign. Review status: criteria provided, multiple submitters, no conflicts (2 of 4 stars). 3 submissions from 2 submitters: Benign (1); Likely benign (2). Last evaluated 2018-01-13.

Conditions:
Deficiency of steroid 11-beta-monooxygenase (CYP11B1). Also called: ADRENAL HYPERPLASIA, CONGENITAL, DUE TO STEROID 11-BETA-HYDROXYLASE DEFICIENCY; 11-BETA-HYDROXYLASE DEFICIENCY; ADRENAL HYPERPLASIA IV; P450C11B1 DEFICIENCY; STEROID 11-BETA-HYDROXYLASE DEFICIENCY; Congenital adrenal hyperplasia due to 11-beta-hydroxylase deficiency. Identifiers: Orphanet 90795, MedGen C0268292, MONDO:0008729, OMIM 202010. Disease mechanism: loss of function.
Glucocorticoid-remediable aldosteronism. Also called: Hyperaldosteronism, familial, type I; ACTH-DEPENDENT HYPERALDOSTERONISM SYNDROME; ALDOSTERONISM, SENSITIVE TO DEXAMETHASONE; FH I; GLUCOCORTICOID-SUPPRESSIBLE HYPERALDOSTERONISM. Identifiers: Orphanet 403, MedGen C3838731, MONDO:0007080, OMIM 103900.

Allele frequency attached by ClinVar (database versions not stated): 1000 Genomes Project 0.00958; 1000 Genomes Project 30x 0.00984; gnomAD 0.01010; TOPMed 0.01191.
gnomAD v4.1: 2,257 of 630,820 alleles (0.36%); highest among the groups gnomAD compares: African/African-American, 3.6%; 44 homozygotes.

Submissions (3):

Illumina Laboratory Services, Illumina
Classification: Benign for Glucocorticoid-remediable aldosteronism. Last evaluated: 2018-01-13. Review status: criteria provided, single submitter. Criteria: ICSL Variant Classification Criteria 13 December 2019. Collection method: clinical testing. Allele origin: germline.
Comment: This variant was observed in the ICSL laboratory as part of a predisposition screen in an ostensibly healthy population. It had not been previously curated by ICSL or reported in the Human Gene Mutation Database (HGMD: prior to June 1st, 2018), and was therefore a candidate for classification through an automated scoring system. Utilizing variant allele frequency, disease prevalence and penetrance estimates, and inheritance mode, an automated score was calculated to assess if this variant is too frequent to cause the disease. Based on the score and internal cut-off values, a variant classified as benign is not then subjected to further curation. The score for this variant resulted in a classification of benign for this disease.

Illumina Laboratory Services, Illumina
Classification: Likely benign for Deficiency of steroid 11-beta-monooxygenase. Last evaluated: 2018-01-13. Review status: criteria provided, single submitter. Criteria: ICSL Variant Classification Criteria 13 December 2019. Collection method: clinical testing. Allele origin: germline.
Comment: This variant was observed in the ICSL laboratory as part of a predisposition screen in an ostensibly healthy population. It had not been previously curated by ICSL or reported in the Human Gene Mutation Database (HGMD: prior to June 1st, 2018), and was therefore a candidate for classification through an automated scoring system. Utilizing variant allele frequency, disease prevalence and penetrance estimates, and inheritance mode, an automated score was calculated to assess if this variant is too frequent to cause the disease. Based on the score and internal cut-off values, a variant classified as likely benign is not then subjected to further curation. The score for this variant resulted in a classification of likely benign for this disease.

Breakthrough Genomics
Classification: Likely benign. Review status: criteria provided, single submitter. Criteria: ACMG Guidelines, 2015. Collection method: not provided. Allele origin: germline. Inheritance: Autosomal recessive inheritance. Affected: yes.